The following is an entry in ClinVar:

ClinVar aggregate classification (germline): Uncertain significance. Review status: criteria provided, multiple submitters, no conflicts (2 of 4 stars). 2 submissions from 2 submitters: Uncertain significance (2). Last evaluated 2024-05-12.

Conditions:
Landau-Kleffner syndrome (FESD). Also called: APHASIA, ACQUIRED, WITH EPILEPSY; EPILEPSY, FOCAL, WITH SPEECH DISORDER AND WITH OR WITHOUT MENTAL RETARDATION. Identifiers: Orphanet 1945, Orphanet 725, Orphanet 98818, MedGen C0282512, MONDO:0009509, OMIM 245570.

Submissions (2):

Labcorp Genetics (formerly Invitae), Labcorp
Classification: Uncertain significance for Landau-Kleffner syndrome. Last evaluated: 2024-05-12. Review status: criteria provided, single submitter. Criteria: Invitae Variant Classification Sherloc (09022015). Collection method: clinical testing. Allele origin: germline.
Comment: This sequence change replaces alanine, which is neutral and non-polar, with threonine, which is neutral and polar, at codon 1395 of the GRIN2A protein (p.Ala1395Thr). This variant is not present in population databases (gnomAD no frequency). This variant has not been reported in the literature in individuals affected with GRIN2A-related conditions. Advanced modeling of protein sequence and biophysical properties (such as structural, functional, and spatial information, amino acid conservation, physicochemical variation, residue mobility, and thermodynamic stability) performed at Invitae indicates that this missense variant is not expected to disrupt GRIN2A protein function with a negative predictive value of 95%. In summary, the available evidence is currently insufficient to determine the role of this variant in disease. Therefore, it has been classified as a Variant of Uncertain Significance.

GeneDx
Classification: Uncertain significance. Last evaluated: 2023-06-21. Review status: criteria provided, single submitter. Criteria: GeneDx Variant Classification Process June 2021. Collection method: clinical testing. Allele origin: germline. Affected: yes.
Comment: Not observed at significant frequency in large population cohorts (gnomAD); In silico analysis supports that this missense variant does not alter protein structure/function; Has not been previously published as pathogenic or benign to our knowledge

NM_001134407.3(GRIN2A):c.4183G>A (p.Ala1395Thr)

Gene: GRIN2A (glutamate ionotropic receptor NMDA type subunit 2A; minus strand). Cytogenetic location: 16p13.2.
Variant type: single nucleotide variant.
Coding change: c.4183G>A on transcript NM_001134407.3 (MANE Select); coding-DNA position 4183, G replaced by A.
Protein change: p.Ala1395Thr; replaces alanine 1395 with threonine.
Molecular consequence: missense variant. On other transcripts: synonymous variant (1).
Genome position (GRCh38, 1-based): chr16:9,763,361, C>T on the plus strand (G>A on the coding strand, the complement: GRIN2A is on the minus strand). VCF-style: chr16-9763361-C-T. GRCh37 (hg19) VCF-style: chr16-9857218-C-T.
Other names: c.4183G>A (NM_000833.3); c.4183G>A, p.Ala1395Thr (NM_000833.5); c.3840G>A, p.Arg1280= (NM_001134408.2); short protein forms A1395T.
Identifiers: ClinVar variation 2751703 (VCV002751703.4), dbSNP rs2141125786, ClinGen allele CA394705884.